The following is an entry in ClinVar:

ClinVar aggregate classification (germline): Pathogenic/Likely pathogenic. Review status: criteria provided, multiple submitters, no conflicts (2 of 4 stars). 2 submissions from 2 submitters: Pathogenic (1); Likely pathogenic (1). Last evaluated 2025-12-26.

Conditions:
Congenital myasthenic syndrome 4A. Also called: CONGENITAL MYASTHENIC SYNDROME TYPE Ia1; MYASTHENIC SYNDROME, CONGENITAL, 4A, SLOW-CHANNEL, AUTOSOMAL RECESSIVE; Myasthenic syndrome, congenital, 4a, slow-channel. Identifiers: Orphanet 590, MedGen C4225413, MONDO:0011600, OMIM 605809.

Submissions (2):

Labcorp Genetics (formerly Invitae), Labcorp
Classification: Pathogenic for Congenital myasthenic syndrome 4A. Last evaluated: 2025-12-26. Review status: criteria provided, single submitter. Criteria: Invitae Variant Classification Sherloc (09022015). Collection method: clinical testing. Allele origin: germline.
Comment: This sequence change creates a premature translational stop signal (p.Ala415Glyfs*36) in the CHRNE gene. While this is not anticipated to result in nonsense mediated decay, it is expected to disrupt the last 79 amino acid(s) of the CHRNE protein. This variant is not present in population databases (gnomAD no frequency). This variant has not been reported in the literature in individuals affected with CHRNE-related conditions. ClinVar contains an entry for this variant (Variation ID: 504288). This variant disrupts a region of the CHRNE protein in which other variant(s) (p.Leu463Arg) have been determined to be pathogenic (internal data). This suggests that this is a clinically significant region of the protein, and that variants that disrupt it are likely to be disease-causing. For these reasons, this variant has been classified as Pathogenic.

GeneDx
Classification: Likely pathogenic. Last evaluated: 2018-02-15. Review status: criteria provided, single submitter. Criteria: GeneDx Variant Classification (06012015). Collection method: clinical testing. Allele origin: germline. Affected: yes.
Comment: The c.1244_1257del14 variant is not observed in large population cohorts (Lek et al., 2016). The c.1244_1257del14 variant causes a frameshift starting with codon Alanine 415, changes this amino acid to a Glycine residue and creates a premature Stop codon at position 36 of the new reading frame, denoted p.Ala415GlyfsX36. This variant is predicted to cause loss of normal protein function through protein truncation as the last 79 amino acids of the CHRNE protein are replaced by 35 incorrect amino acids. Although this variant has not been reported previously to our knowledge, other loss-of-function variants in the CHRNE gene have been reported in the Human Gene Mutation Database in association with congenital myasthenia syndrome (Stenson et al., 2014).

NM_000080.4(CHRNE):c.1244_1257del (p.Ala415fs)

Gene: CHRNE (cholinergic receptor nicotinic epsilon subunit; minus strand). Cytogenetic location: 17p13.2.
Variant type: Deletion.
Coding change: c.1244_1257del on transcript NM_000080.4 (MANE Select); coding-DNA positions 1244 to 1257, 14 bases deleted (CCGCCGCCCCCGAG).
Protein change: p.Ala415fs; shifts the reading frame from alanine 415.
Molecular consequence: frameshift variant.
Genome position (GRCh38, 1-based): chr17:4,899,070-4,899,083, CTCGGGGGCGGCGG deleted on the plus strand (CCGCCGCCCCCGAG on the coding strand, the reverse complement: CHRNE is on the minus strand); deleting any 14 consecutive bases within chr17:4,899,070-4,899,084 gives the same sequence; the c. name uses the placement nearest the transcript's 3' end. VCF-style (leftmost placement, unchanged base first): chr17-4899069-CCTCGGGGGCGGCGG-C. GRCh37 (hg19) VCF-style: chr17-4802364-CCTCGGGGGCGGCGG-C.
Other names: c.1244_1257del, p.Ala415fs (LRG_1254t1); short protein forms A415fs.
Identifiers: ClinVar variation 504288 (VCV000504288.3), dbSNP rs1555546224, ClinGen allele CA658798679.